The following is an entry in ClinVar:

ClinVar aggregate classification (germline): Uncertain significance. Review status: criteria provided, multiple submitters, no conflicts (2 of 4 stars). 3 submissions from 3 submitters: Uncertain significance (3). Last evaluated 2023-05-05.

Conditions:
Inborn genetic diseases. Identifiers: MedGen C0950123, MeSH D030342.
Short-rib thoracic dysplasia 10 with or without polydactyly (SRTD10). Identifiers: Orphanet 474, MedGen C3810175, MONDO:0014284, OMIM 615630.
Retinitis pigmentosa 71 (RP71). Identifiers: Orphanet 791, MedGen C4225342, MONDO:0014618, OMIM 616394.

Allele frequency attached by ClinVar (database versions not stated): TOPMed 0.00001.
gnomAD v4.1: 15 of 1,613,524 alleles (0.00093%); highest among the groups gnomAD compares: South Asian, 0.0044%; no homozygotes.

Submissions (3):

Blueprint Genetics
Classification: Uncertain significance. Last evaluated: 2023-05-05. Review status: criteria provided, single submitter. Criteria: ACMG Guidelines, 2015. Collection method: clinical testing. Allele origin: germline.

Ambry Genetics
Classification: Uncertain significance for Inborn genetic diseases. Last evaluated: 2022-05-27. Review status: criteria provided, single submitter. Criteria: Ambry Variant Classification Scheme 2023. Collection method: clinical testing. Allele origin: germline.

Labcorp Genetics (formerly Invitae), Labcorp
Classification: Uncertain significance for Retinitis pigmentosa 71; Short-rib thoracic dysplasia 10 with or without polydactyly. Last evaluated: 2022-02-08. Review status: criteria provided, single submitter. Criteria: Invitae Variant Classification Sherloc (09022015). Collection method: clinical testing. Allele origin: germline.
Comment: This sequence change replaces arginine, which is basic and polar, with glutamine, which is neutral and polar, at codon 505 of the IFT172 protein (p.Arg505Gln). This variant is present in population databases (rs747777887, gnomAD 0.004%). This variant has not been reported in the literature in individuals affected with IFT172-related conditions. Algorithms developed to predict the effect of missense changes on protein structure and function are either unavailable or do not agree on the potential impact of this missense change (SIFT: "Deleterious"; PolyPhen-2: "Benign"; Align-GVGD: "Class C0"). In summary, the available evidence is currently insufficient to determine the role of this variant in disease. Therefore, it has been classified as a Variant of Uncertain Significance.

NM_015662.3(IFT172):c.1514G>A (p.Arg505Gln)

Gene: IFT172 (intraflagellar transport 172; minus strand). Cytogenetic location: 2p23.3.
Variant type: single nucleotide variant.
Coding change: c.1514G>A on transcript NM_015662.3 (MANE Select); coding-DNA position 1514, G replaced by A.
Protein change: p.Arg505Gln; replaces arginine 505 with glutamine.
Molecular consequence: missense variant.
Genome position (GRCh38, 1-based): chr2:27,472,260, C>T on the plus strand (G>A on the coding strand, the complement: IFT172 is on the minus strand). VCF-style: chr2-27472260-C-T. GRCh37 (hg19) VCF-style: chr2-27695127-C-T.
Other names: c.1514G>A, p.Arg505Gln (NM_001410739.1); c.1514G>A (NM_015662.1); short protein forms R505Q.
Identifiers: ClinVar variation 2151053 (VCV002151053.3), dbSNP rs747777887, ClinGen allele CA1580628.